The following is an entry in ClinVar:

NM_001351132.2(PEX5):c.1528T>A (p.Cys510Ser)

Gene: PEX5 (peroxisomal biogenesis factor 5; plus strand). Cytogenetic location: 12p13.31.
Variant type: single nucleotide variant.
Coding change: c.1528T>A on transcript NM_001351132.2 (MANE Select); coding-DNA position 1528, T replaced by A.
Protein change: p.Cys510Ser; replaces cysteine 510 with serine.
Molecular consequence: missense variant.
Genome position (GRCh38, 1-based): chr12:7,209,138, T>A. VCF-style: chr12-7209138-T-A. GRCh37 (hg19) VCF-style: chr12-7361734-T-A.
Other names: c.1504T>A, p.Cys502Ser (NM_000319.5); c.1573T>A, p.Cys525Ser (NM_001131023.2); c.1417T>A, p.Cys473Ser (NM_001131024.2, NM_001351124.3, NM_001351126.2 and 7 more transcripts); c.1528T>A, p.Cys510Ser (NM_001131025.2, NM_001131026.2, NM_001300789.3 and 4 more transcripts); c.1462T>A, p.Cys488Ser (NM_001351135.3, NM_001351138.2); c.1519T>A, p.Cys507Ser (NM_001351136.2); c.1393T>A, p.Cys465Ser (NM_001351139.2, NM_001351140.2, NM_001374649.2); short protein forms C473S, C507S, C510S, C525S, C488S, C502S, C465S.
Identifiers: ClinVar variation 1505121 (VCV001505121.8), dbSNP rs1945199025, ClinGen allele CA383735665.
Genomic context (GRCh38, chr12:7,209,138, plus strand): 5'-GTGCAGTGTGGCTTGGGAGTCCTTTTCAACCTGAGTGGGGAGTATGACAAGGCCGTGGAC[T>A]GCTTCACAGCTGCCCTCAGCGTTCGTCCCAATGTGAGCCCAGGGGAGGAATGGAAATGGG-3'
Protein context (NP_001338061.1, residues 500-520): LSGEYDKAVD[Cys510Ser]FTAALSVRPN

ClinVar aggregate classification (germline): Uncertain significance (1 of 4 stars; one submission).

Conditions:
Peroxisome biogenesis disorder 2B (PBD2B). Identifiers: Orphanet 44, MedGen C3550234, MONDO:0008736, OMIM 202370.

Allele frequency attached by ClinVar (database versions not stated): TOPMed below 0.00001.

Submission:

Labcorp Genetics (formerly Invitae), Labcorp
Classification: Uncertain significance for Peroxisome biogenesis disorder 2B. Last evaluated: 2021-08-03. Review status: criteria provided, single submitter. Criteria: Invitae Variant Classification Sherloc (09022015). Collection method: clinical testing. Allele origin: germline.
Comment: Algorithms developed to predict the effect of missense changes on protein structure and function are either unavailable or do not agree on the potential impact of this missense change (SIFT: "Tolerated"; PolyPhen-2: "Probably Damaging"; Align-GVGD: "Class C0"). This sequence change replaces cysteine with serine at codon 510 of the PEX5 protein (p.Cys510Ser). The cysteine residue is highly conserved and there is a moderate physicochemical difference between cysteine and serine. This variant is not present in population databases (ExAC no frequency). This variant has not been reported in the literature in individuals with PEX5-related conditions. In summary, the available evidence is currently insufficient to determine the role of this variant in disease. Therefore, it has been classified as a Variant of Uncertain Significance.